The following is an entry in ClinVar:

NM_004646.4(NPHS1):c.2459A>G (p.Asn820Ser)

Gene: NPHS1 (NPHS1 adhesion molecule, nephrin; minus strand). Cytogenetic location: 19q13.12.
Variant type: single nucleotide variant.
Coding change: c.2459A>G on transcript NM_004646.4 (MANE Select); coding-DNA position 2459, A replaced by G.
Protein change: p.Asn820Ser; replaces asparagine 820 with serine.
Molecular consequence: missense variant.
Genome position (GRCh38, 1-based): chr19:35,842,426, T>C on the plus strand (A>G on the coding strand, the complement: NPHS1 is on the minus strand). VCF-style: chr19-35842426-T-C. GRCh37 (hg19) VCF-style: chr19-36333328-T-C.
Other names: short protein forms N820S.
Identifiers: ClinVar variation 1339206 (VCV001339206.2), dbSNP rs2146819740, ClinGen allele CA405392896.

ClinVar aggregate classification (germline): Uncertain significance (1 of 4 stars; one submission).

Conditions:
Finnish congenital nephrotic syndrome (NPHS1). Also called: NEPHROTIC SYNDROME, TYPE 1. Identifiers: Orphanet 839, MedGen C0403399, MONDO:0009732, OMIM 256300.

Submission:

Neuberg Centre For Genomic Medicine, NCGM
Classification: Uncertain significance for Finnish congenital nephrotic syndrome. Review status: criteria provided, single submitter. Criteria: ACMG Guidelines, 2015. Collection method: clinical testing. Allele origin: germline. Affected: yes.
Comment: The missense variant p.N820S in NPHS1 (NM_004646.4) has not been reported previously as a pathogenic variant nor as a benign variant, to our knowledge. The p.N820S variant is novel (not in any individuals) in gnomAD Exomes and is novel (not in any individuals) in 1000 Genomes. There is a small physicochemical difference between asparagine and serine, which is not likely to impact secondary protein structure as these residues share similar properties. The p.N820S missense variant is predicted to be damaging by both SIFT and PolyPhen2. The asparagine residue at codon 820 of NPHS1 is conserved in all mammalian species. The nucleotide c.2459 in NPHS1 is predicted conserved by GERP++ and PhyloP across 100 vertebrates. For these reasons, this variant has been classified as Uncertain Significance.